The following is an entry in ClinVar:

ClinVar aggregate classification (germline): Likely pathogenic (1 of 4 stars; one submission).

Conditions:
Dihydropteridine reductase deficiency (HPABH4C). Also called: BH4-Deficient Hyperphenylalaninemia C; HYPERPHENYLALANINEMIA, TETRAHYDROBIOPTERIN-DEFICIENT, DUE TO DHPR DEFICIENCY; QDPR DEFICIENCY; QUINOID DIHYDROPTERIDINE REDUCTASE DEFICIENCY; Phenylketonuria II; Hyperphenylalaninemia due to dihydropteridine reductase deficiency. Identifiers: Orphanet 226, Orphanet 238583, MedGen C0268465, MONDO:0009862, OMIM 261630.

gnomAD v4.1: 7 of 1,613,952 alleles (0.00043%); highest among the groups gnomAD compares: Non-Finnish European, 0.00042%; no homozygotes.

Submission:

Women's Health and Genetics/Laboratory Corporation of America, LabCorp
Classification: Likely pathogenic for Dihydropteridine reductase deficiency. Last evaluated: 2025-01-28. Review status: criteria provided, single submitter. Criteria: LabCorp Variant Classification Summary - May 2015. Collection method: clinical testing. Allele origin: germline.
Comment: Variant summary: QDPR c.434C>T (p.Pro145Leu) results in a non-conservative amino acid change located in the NAD(P)-binding Rossmann-fold domains (IPR036291) of the encoded protein sequence. Five of five in-silico tools predict a damaging effect of the variant on protein function. Consensus agreement among computation tools predict no significant impact on normal splicing. However, these predictions have yet to be confirmed by functional studies. The variant allele was found at a frequency of 4e-06 in 251120 control chromosomes. c.434C>T has been reported in the presumed compound heterozygous state with a null allele in the literature in at least 1 individual affected with Dihydropteridine Reductase Deficiency (example, Smooker_1993, Smooker_1995). At least one publication reports experimental evidence evaluating an impact on protein function. The most pronounced variant effect results in total loss of detectable cross reactive material on Western blotting of patient fibroblasts in the patient with a null allele as the 2nd variant (example, Smooker_1995, Smooker_1993). No submitters have cited clinical-significance assessments for this variant to ClinVar. Based on the evidence outlined above, the variant was classified as likely pathogenic.

Literature cited by the submitters: PubMed 8518287; PubMed 7627180.

NM_000320.3(QDPR):c.434C>T (p.Pro145Leu)

Gene: QDPR (quinoid dihydropteridine reductase; minus strand). Cytogenetic location: 4p15.32.
Variant type: single nucleotide variant.
Coding change: c.434C>T on transcript NM_000320.3 (MANE Select); coding-DNA position 434, C replaced by T.
Protein change: p.Pro145Leu; replaces proline 145 with leucine.
Molecular consequence: missense variant. On other transcripts: non-coding transcript variant (1).
Genome position (GRCh38, 1-based): chr4:17,501,721, G>A on the plus strand (C>T on the coding strand, the complement: QDPR is on the minus strand). VCF-style: chr4-17501721-G-A. GRCh37 (hg19) VCF-style: chr4-17503344-G-A.
Other names: c.341C>T, p.Pro114Leu (NM_001306140.2); short protein forms P114L, P145L.
Identifiers: ClinVar variation 3769371 (VCV003769371.2).